The following is an entry in ClinVar:

NM_003002.4(SDHD):c.479G>C (p.Ter160Ser)

Gene: SDHD (succinate dehydrogenase complex subunit D; plus strand). Cytogenetic location: 11q23.1.
Variant type: single nucleotide variant.
Coding change: c.479G>C on transcript NM_003002.4 (MANE Select); coding-DNA position 479, G replaced by C.
Protein change: p.Ter160Ser.
Molecular consequence: stop lost. On other transcripts: 3 prime UTR variant (2), non-coding transcript variant (1).
Genome position (GRCh38, 1-based): chr11:112,094,969, G>C. VCF-style: chr11-112094969-G-C. GRCh37 (hg19) VCF-style: chr11-111965693-G-C.
Other names: c.*76G>C (NM_001276503.2); c.362G>C, p.Ter121Ser (NM_001276504.2); c.*177G>C (NM_001276506.2).
Identifiers: ClinVar variation 2953758 (VCV002953758.3), dbSNP rs201372601, ClinGen allele CA382619607.

ClinVar aggregate classification (germline): Uncertain significance (1 of 4 stars; one submission).

Conditions:
Carney-Stratakis syndrome. Also called: PARAGANGLIOMA AND GASTROINTESTINAL STROMAL TUMOR. Identifiers: Orphanet 97286, MedGen C1847319, MONDO:0011740, OMIM 606864.
Paragangliomas with sensorineural hearing loss. Identifiers: MedGen C1868633.
Cowden syndrome 3 (CWS3). Identifiers: Orphanet 201, MedGen CN166604, MONDO:0014045.
Pheochromocytoma. Also called: MAX-Related Hereditary Paraganglioma-Pheochromocytoma Syndrome. Identifiers: Orphanet 29072, MedGen C0031511, MONDO:0008233, OMIM 171300, HP:0002666.

Submission:

Labcorp Genetics (formerly Invitae), Labcorp
Classification: Uncertain significance for Carney-Stratakis syndrome; Paragangliomas with sensorineural hearing loss; Pheochromocytoma; Cowden syndrome 3. Last evaluated: 2023-11-10. Review status: criteria provided, single submitter. Criteria: Invitae Variant Classification Sherloc (09022015). Collection method: clinical testing. Allele origin: germline.
Comment: This sequence change disrupts the translational stop signal of the SDHD mRNA. It is expected to extend the length of the SDHD protein by 3 additional amino acid residues. This variant is not present in population databases (gnomAD no frequency). This variant has not been reported in the literature in individuals affected with SDHD-related conditions. This variant results in an extension of the SDHD protein. Other variant(s) that result in a similarly extended protein product (p.*160Lext*3) have been observed in individuals with SDHD-related disease (PMID: 24367056). This suggests that these extensions may be clinically significant. In summary, the available evidence is currently insufficient to determine the role of this variant in disease. Therefore, it has been classified as a Variant of Uncertain Significance.

Literature cited by the submitters: PubMed 24367056.